The following is an entry in ClinVar:

NM_025114.4(CEP290):c.4257dup (p.Ile1420fs)

Gene: CEP290 (centrosomal protein 290; minus strand). Cytogenetic location: 12q21.32.
Variant type: Duplication.
Coding change: c.4257dup on transcript NM_025114.4 (MANE Select); coding-DNA position 4257, one base duplicated (C; older notation c.4257dupC).
Protein change: p.Ile1420fs; shifts the reading frame from isoleucine 1420.
Molecular consequence: frameshift variant.
Genome position (GRCh38, 1-based): chr12:88,086,436, G duplicated on the plus strand (C on the coding strand, the reverse complement: CEP290 is on the minus strand). VCF-style (leftmost placement, unchanged base first): chr12-88086435-T-TG. GRCh37 (hg19) VCF-style: chr12-88480212-T-TG.
Other names: c.4257dupC (NM_025114.3); short protein forms I1420fs.
Identifiers: ClinVar variation 419494 (VCV000419494.2), dbSNP rs1555208180, ClinGen allele CA16619599.

ClinVar aggregate classification (germline): Pathogenic (1 of 4 stars; one submission).

Allele frequency attached by ClinVar (database versions not stated): gnomAD exomes below 0.00001.

Submission:

GeneDx
Classification: Pathogenic. Last evaluated: 2015-07-30. Review status: criteria provided, single submitter. Criteria: GeneDx Variant Classification (06012015). Collection method: clinical testing. Allele origin: germline. Affected: yes.
Comment: The c.4257dupC duplication in the CEP290 gene causes a frameshift starting with codon Isoleucine 1420,changes this amino acid to a Histidine residue and creates a premature Stop codon at position 3 of the newreading frame, denoted p.Ile1420HisfsX3. This duplication is predicted to cause loss of normal proteinfunction either through protein truncation or nonsense-mediated mRNA decay. Although c.4257dupC hasnot been previously reported to our knowledge, many other frameshift variants in CEP290 have beenreported in association with CEP290-related disorders in the Human Gene Mutation Database (Stenson etal., 2014) and therefore, it is considered a pathogenic variant.